The following is an entry in ClinVar:

NM_015662.3(IFT172):c.1791C>T (p.Ile597=)

Gene: IFT172 (intraflagellar transport 172; minus strand). Cytogenetic location: 2p23.3.
Variant type: single nucleotide variant.
Coding change: c.1791C>T on transcript NM_015662.3 (MANE Select); coding-DNA position 1791, C replaced by T.
Protein change: p.Ile597=; no amino-acid change (isoleucine 597 retained).
Molecular consequence: synonymous variant.
Genome position (GRCh38, 1-based): chr2:27,465,784, G>A on the plus strand (C>T on the coding strand, the complement: IFT172 is on the minus strand). VCF-style: chr2-27465784-G-A. GRCh37 (hg19) VCF-style: chr2-27688651-G-A.
Other names: c.1791C>T (NM_015662.2).
Identifiers: ClinVar variation 1631660 (VCV001631660.11), dbSNP rs747273253, ClinGen allele CA1580536.
Genomic context (GRCh38, chr2:27,465,784, plus strand): 5'-TGGTTATTGGCCAGCCTCTCACCGGATGTAGTTGCCATCATCAATGGCTGTTCCAAACTC[G>A]ATGAGGCCCTCATCCAATGTGTAGGCAACAGTAGTCACACCTTCCATCACCATCACCTCG-3'
Protein context (NP_056477.1, residues 587-607): TVAYTLDEGL[Ile597=]EFGTAIDDGN

ClinVar aggregate classification (germline): Likely benign. Review status: criteria provided, multiple submitters, no conflicts (2 of 4 stars). 3 submissions from 3 submitters: Likely benign (2). 1 of the submissions does not count toward it. Last evaluated 2025-06-27.

Conditions:
IFT172-related disorder. Also called: IFT172-related disorders; IFT172-related condition.
Retinitis pigmentosa 71 (RP71). Identifiers: Orphanet 791, MedGen C4225342, MONDO:0014618, OMIM 616394.
Short-rib thoracic dysplasia 10 with or without polydactyly (SRTD10). Identifiers: Orphanet 474, MedGen C3810175, MONDO:0014284, OMIM 615630.

Allele frequency attached by ClinVar (database versions not stated): ExAC 0.00003; gnomAD 0.00004.
gnomAD v4.1: 26 of 1,613,898 alleles (0.0016%); highest among the groups gnomAD compares: Admixed American, 0.012%; no homozygotes.

Submissions (3):

Labcorp Genetics (formerly Invitae), Labcorp
Classification: Likely benign for Retinitis pigmentosa 71; Short-rib thoracic dysplasia 10 with or without polydactyly. Last evaluated: 2025-06-27. Review status: criteria provided, single submitter. Criteria: Invitae Variant Classification Sherloc (09022015). Collection method: clinical testing. Allele origin: germline.

Blueprint Genetics
Classification: Likely benign. Last evaluated: 2024-09-10. Review status: criteria provided, single submitter. Criteria: ACMG Guidelines, 2015. Collection method: clinical testing. Allele origin: germline.

PreventionGenetics, part of Exact Sciences
Classification: Likely benign for IFT172-related condition. Last evaluated: 2019-12-26. Review status: no assertion criteria provided. Collection method: clinical testing. Allele origin: germline. Not counted in ClinVar's aggregate classification.
Comment: This variant is classified as likely benign based on ACMG/AMP sequence variant interpretation guidelines (Richards et al. 2015 PMID: 25741868, with internal and published modifications).